The following is an entry in ClinVar:

ClinVar aggregate classification (germline): Uncertain significance. Review status: criteria provided, multiple submitters, no conflicts (2 of 4 stars). 4 submissions from 4 submitters: Uncertain significance (4). Last evaluated 2026-04-28.

Conditions:
Cardiovascular phenotype. Identifiers: MedGen CN230736.
Hypertrophic cardiomyopathy 14. Identifiers: MedGen C2750467, MONDO:0013197, OMIM 613251.
MYH6-related disorder. Also called: MYH6-related condition; MYH6-Related Disorders.

Allele frequency attached by ClinVar (database versions not stated): gnomAD exomes below 0.00001 and 0.00001; ExAC 0.00002; gnomAD 0.00002; TOPMed 0.00003.

Submissions (4):

Ambry Genetics
Classification: Uncertain significance for Cardiovascular phenotype. Last evaluated: 2026-04-28. Review status: criteria provided, single submitter. Criteria: Ambry Variant Classification Scheme 2023. Collection method: clinical testing. Allele origin: germline.

PreventionGenetics, part of Exact Sciences
Classification: Uncertain significance for MYH6-related condition. Last evaluated: 2025-10-29. Review status: criteria provided, single submitter. Criteria: ACMG Guidelines, 2015. Collection method: clinical testing. Allele origin: germline.
Comment: The MYH6 c.85C>T variant is predicted to result in the amino acid substitution p.Arg29Trp. To our knowledge, this variant has not been reported in the literature. This variant is reported in 0.0080% of alleles in individuals of African descent in gnomAD. At this time, the clinical significance of this variant is uncertain due to the absence of conclusive functional and genetic evidence.

Labcorp Genetics (formerly Invitae), Labcorp
Classification: Uncertain significance for Hypertrophic cardiomyopathy 14. Last evaluated: 2025-06-03. Review status: criteria provided, single submitter. Criteria: Invitae Variant Classification Sherloc (09022015). Collection method: clinical testing. Allele origin: germline.
Comment: This sequence change replaces arginine, which is basic and polar, with tryptophan, which is neutral and slightly polar, at codon 29 of the MYH6 protein (p.Arg29Trp). This variant is present in population databases (rs752885646, gnomAD 0.008%). This variant has not been reported in the literature in individuals affected with MYH6-related conditions. ClinVar contains an entry for this variant (Variation ID: 1179957). Invitae Evidence Modeling of protein sequence and biophysical properties (such as structural, functional, and spatial information, amino acid conservation, physicochemical variation, residue mobility, and thermodynamic stability) indicates that this missense variant is expected to disrupt MYH6 protein function with a positive predictive value of 80%. In summary, the available evidence is currently insufficient to determine the role of this variant in disease. Therefore, it has been classified as a Variant of Uncertain Significance.

GeneDx
Classification: Uncertain significance. Last evaluated: 2019-10-17. Review status: criteria provided, single submitter. Criteria: GeneDx Variant Classification Process June 2021. Collection method: clinical testing. Allele origin: germline. Affected: yes.
Comment: Has not been previously published as pathogenic or benign to our knowledge; Identified in patients referred for HCM genetic testing at GeneDx; Not observed at a significant frequency in large population cohorts (Lek et al., 2016); In silico analysis, which includes protein predictors and evolutionary conservation, supports a deleterious effect

NM_002471.4(MYH6):c.85C>T (p.Arg29Trp)

Genes: MYH6 (myosin heavy chain 6; minus strand), LOC114827851 (VISTA enhancer hs2155; plus strand). Cytogenetic location: 14q11.2.
Variant type: single nucleotide variant.
Coding change: c.85C>T on transcript NM_002471.4 (MANE Select); coding-DNA position 85, C replaced by T.
Protein change: p.Arg29Trp; replaces arginine 29 with tryptophan.
Molecular consequence: missense variant.
Genome position (GRCh38, 1-based): chr14:23,407,139, G>A on the plus strand (C>T on the coding strand, the complement: MYH6 is on the minus strand). VCF-style: chr14-23407139-G-A. GRCh37 (hg19) VCF-style: chr14-23876348-G-A.
Other names: short protein forms R29W.
Identifiers: ClinVar variation 1179957 (VCV001179957.8), dbSNP rs752885646, ClinGen allele CA7116271.
Genomic context (GRCh38, chr14:23,407,139, plus strand): 5'-CTTTGACAAACTCTTCCTTGTCATCGGGCACGAAGCACTCAGTGCGAATGTCAAAGGGCC[G>A]GGTCTGGGCCTCTAGACGCTCCTTCTCTGACTTGCGGAGGTACTGGGCCGCTGCCCCAAA-3'
Protein context (NP_002462.2, residues 19-39): SEKERLEAQT[Arg29Trp]PFDIRTECFV